The following is an entry in ClinVar:

NM_004628.5(XPC):c.1421dup (p.Arg475fs)

Gene: XPC (XPC complex subunit, DNA damage recognition and repair factor; minus strand). Cytogenetic location: 3p25.1.
Variant type: Duplication.
Coding change: c.1421dup on transcript NM_004628.5 (MANE Select); coding-DNA position 1421, one base duplicated (A; older notation c.1421dupA).
Protein change: p.Arg475fs; shifts the reading frame from arginine 475.
Molecular consequence: frameshift variant. On other transcripts: non-coding transcript variant (2).
Genome position (GRCh38, 1-based): chr3:14,158,462, T duplicated on the plus strand (A on the coding strand, the reverse complement: XPC is on the minus strand). VCF-style (leftmost placement, unchanged base first): chr3-14158461-C-CT. GRCh37 (hg19) VCF-style: chr3-14199961-C-CT.
Other names: c.1421dupA (NM_004628.4); c.842dup, p.Arg282fs (NM_001354726.2); c.1421dup, p.Arg475fs (NM_001354727.2, NM_001354730.2); c.1403dup, p.Arg469fs (NM_001354729.2); short protein forms R282fs, R469fs, R475fs.
Identifiers: ClinVar variation 555393 (VCV000555393.10), dbSNP rs1553605761, ClinGen allele CA658821928.
Genomic context (GRCh38, chr3:14,158,461, plus strand): 5'-GTCCTTACGATGGCTCCCACGATGGGTCCTGGAGGCACTCTTGGACCCAGCCTTTGTCCT[C>CT]TGAGGAGCGGGGGCTTTCCTCTGCTTTGGAGGGCCAGGTTCGGAATCCTCATCAGAGGGA-3'

ClinVar aggregate classification (germline): Pathogenic. Review status: criteria provided, single submitter (1 of 4 stars). 2 submissions from 2 submitters: Pathogenic (1). 1 of the submissions does not count toward it. Last evaluated 2022-04-05.

Conditions:
Xeroderma pigmentosum, group C (XPC). Also called: XPC-Related Xeroderma Pigmentosum; Xeroderma pigmentosum, complementation group C; XERODERMA PIGMENTOSUM III; XP, GROUP C. Identifiers: Orphanet 910, MedGen C2752147, MONDO:0010211, OMIM 278720.

Submissions (2):

Labcorp Genetics (formerly Invitae), Labcorp
Classification: Pathogenic. Last evaluated: 2022-04-05. Review status: criteria provided, single submitter. Criteria: Invitae Variant Classification Sherloc (09022015). Collection method: clinical testing. Allele origin: germline.
Comment: This sequence change creates a premature translational stop signal (p.Arg475Glufs*19) in the XPC gene. It is expected to result in an absent or disrupted protein product. Loss-of-function variants in XPC are known to be pathogenic (PMID: 23173980, 25256075). This variant is not present in population databases (gnomAD no frequency). This premature translational stop signal has been observed in individual(s) with a XPC-related condition (PMID: 23173980). ClinVar contains an entry for this variant (Variation ID: 555393). For these reasons, this variant has been classified as Pathogenic.

Counsyl
Classification: Likely pathogenic for Xeroderma pigmentosum, group C. Last evaluated: 2017-12-08. Review status: no assertion criteria provided. Collection method: clinical testing. Allele origin: unknown. Not counted in ClinVar's aggregate classification.

Literature cited by the submitters: PubMed 23173980 (cited by Labcorp Genetics (formerly Invitae), Labcorp and Counsyl); PubMed 25256075 (cited by Labcorp Genetics (formerly Invitae), Labcorp).